The following is an entry in ClinVar:

NM_000283.4(PDE6B):c.468+5G>A

Gene: PDE6B (phosphodiesterase 6B; plus strand). Cytogenetic location: 4p16.3.
Variant type: single nucleotide variant.
Coding change: c.468+5G>A on transcript NM_000283.4 (MANE Select); 5 bases into the intron after coding-DNA position 468, G replaced by A.
Molecular consequence: intron variant.
Genome position (GRCh38, 1-based): chr4:626,099, G>A. VCF-style: chr4-626099-G-A. GRCh37 (hg19) VCF-style: chr4-619888-G-A.
Other names: c.468+5G>A (NM_001145291.2).
Identifiers: ClinVar variation 2100637 (VCV002100637.4), dbSNP rs755336120, ClinGen allele CA2793952.

ClinVar aggregate classification (germline): Uncertain significance (1 of 4 stars; one submission).

Allele frequency attached by ClinVar (database versions not stated): TOPMed below 0.00001; gnomAD 0.00001; ExAC 0.00003.
gnomAD v4.1: 7 of 1,544,396 alleles (0.00045%); highest among the groups gnomAD compares: African/African-American, 0.0014%; no homozygotes.

Submission:

Labcorp Genetics (formerly Invitae), Labcorp
Classification: Uncertain significance. Last evaluated: 2023-10-24. Review status: criteria provided, single submitter. Criteria: Invitae Variant Classification Sherloc (09022015). Collection method: clinical testing. Allele origin: germline.
Comment: This sequence change falls in intron 1 of the PDE6B gene. It does not directly change the encoded amino acid sequence of the PDE6B protein. It affects a nucleotide within the consensus splice site. The frequency data for this variant in the population databases is considered unreliable, as metrics indicate poor data quality at this position in the gnomAD database. This variant has been observed in individual(s) with autosomal recessive retinitis pigmentosa (Invitae). ClinVar contains an entry for this variant (Variation ID: 2100637). Variants that disrupt the consensus splice site are a relatively common cause of aberrant splicing (PMID: 17576681, 9536098). Algorithms developed to predict the effect of sequence changes on RNA splicing suggest that this variant may disrupt the consensus splice site. In summary, the available evidence is currently insufficient to determine the role of this variant in disease. Therefore, it has been classified as a Variant of Uncertain Significance.

Literature cited by the submitters: PubMed 17576681; PubMed 9536098.